The following is an entry in ClinVar:

ClinVar aggregate classification (germline): Pathogenic/Likely pathogenic. Review status: criteria provided, multiple submitters, no conflicts (2 of 4 stars). 3 submissions from 3 submitters: Pathogenic (1); Likely pathogenic (2). Last evaluated 2025-05-08.

Conditions:
Combined malonic and methylmalonic acidemia. Identifiers: Orphanet 289504, MedGen C3280314, MONDO:0013661, OMIM 614265.

gnomAD v4.1: 2 of 1,614,142 alleles (0.00012%); highest among the groups gnomAD compares: Non-Finnish European, 0.00017%; no homozygotes.

Submissions (3):

Natera, Inc.
Classification: Likely pathogenic for Combined malonic and methylmalonic aciduria. Last evaluated: 2025-05-08. Review status: criteria provided, single submitter. Criteria: Natera Variant Classification Schema (03/2026). Collection method: clinical testing. Allele origin: germline.
Comment: The c.1172C>G variant in ACSF3 is a nonsense variant predicted to introduce a stop codon at amino acid 391. This variant is expected to result in nonsense mediated decay, truncation, or a dysfunctional protein product. This variant is rare in the general population with a frequency below the threshold expected for the associated phenotype(s). Given the available evidence, this variant is classified as Likely Pathogenic.

Labcorp Genetics (formerly Invitae), Labcorp
Classification: Pathogenic for Combined malonic and methylmalonic acidemia. Last evaluated: 2023-04-28. Review status: criteria provided, single submitter. Criteria: Invitae Variant Classification Sherloc (09022015). Collection method: clinical testing. Allele origin: germline.
Comment: For these reasons, this variant has been classified as Pathogenic. ClinVar contains an entry for this variant (Variation ID: 1984815). This variant has not been reported in the literature in individuals affected with ACSF3-related conditions. This variant is not present in population databases (gnomAD no frequency). This sequence change creates a premature translational stop signal (p.Ser391*) in the ACSF3 gene. It is expected to result in an absent or disrupted protein product. Loss-of-function variants in ACSF3 are known to be pathogenic (PMID: 21841779, 26827111).

Baylor Genetics
Classification: Likely pathogenic for Combined malonic and methylmalonic acidemia. Last evaluated: 2022-10-10. Review status: criteria provided, single submitter. Criteria: ACMG Guidelines, 2015. Collection method: clinical testing. Allele origin: unknown.

Literature cited by the submitters: PubMed 21841779 (cited by Labcorp Genetics (formerly Invitae), Labcorp); PubMed 26827111 (cited by Labcorp Genetics (formerly Invitae), Labcorp).

NM_001243279.3(ACSF3):c.1172C>G (p.Ser391Ter)

Gene: ACSF3 (acyl-CoA synthetase family member 3; plus strand). Cytogenetic location: 16q24.3.
Variant type: single nucleotide variant.
Coding change: c.1172C>G on transcript NM_001243279.3 (MANE Select); coding-DNA position 1172, C replaced by G.
Protein change: p.Ser391Ter; replaces serine 391 with a stop codon.
Molecular consequence: nonsense. On other transcripts: non-coding transcript variant (3).
Genome position (GRCh38, 1-based): chr16:89,120,846, C>G. VCF-style: chr16-89120846-C-G. GRCh37 (hg19) VCF-style: chr16-89187254-C-G.
Other names: c.1172C>G (NM_174917.4); c.1172C>G, p.Ser391Ter (NM_001127214.4, NM_174917.5); c.377C>G, p.Ser126Ter (NM_001284316.2); short protein forms S126*, S391*.
Identifiers: ClinVar variation 1984815 (VCV001984815.7), dbSNP rs2543678040, ClinGen allele CA397142250.
Genomic context (GRCh38, chr16:89,120,846, plus strand): 5'-TCTCCTCTCCTGTAGGTTCCGTGGGGACCCCACTGCCTGGAGTACAGGTGCGCATTGTCT[C>G]AGAAAACCCACAGAGGGAAGCCTGCTCCTACACCATCCACGCAGAGGGAGACGAGAGGGG-3'